The following is an entry in ClinVar:

ClinVar aggregate classification (germline): Uncertain significance (1 of 4 stars; one submission).

Conditions:
Seizures, benign familial infantile, 3 (BFIS3). Also called: Familial neonatal seizures; CONVULSIONS, BENIGN FAMILIAL INFANTILE, 3. Identifiers: Orphanet 140927, Orphanet 306, MedGen C1843140, MONDO:0011904, OMIM 607745.
Developmental and epileptic encephalopathy, 11 (DEE11). Also called: Early infantile epileptic encephalopathy 11. Identifiers: Orphanet 1934, MedGen C3150987, MONDO:0013388, OMIM 613721.

gnomAD v4.1: 2 of 1,614,178 alleles (0.00012%); highest among the groups gnomAD compares: Non-Finnish European, 0.000085%; no homozygotes.

Submission:

Labcorp Genetics (formerly Invitae), Labcorp
Classification: Uncertain significance for Seizures, benign familial infantile, 3; Developmental and epileptic encephalopathy, 11. Last evaluated: 2022-03-27. Review status: criteria provided, single submitter. Criteria: Invitae Variant Classification Sherloc (09022015). Collection method: clinical testing. Allele origin: germline.
Comment: In summary, the available evidence is currently insufficient to determine the role of this variant in disease. Therefore, it has been classified as a Variant of Uncertain Significance. Algorithms developed to predict the effect of missense changes on protein structure and function (SIFT, PolyPhen-2, Align-GVGD) all suggest that this variant is likely to be tolerated. This variant has not been reported in the literature in individuals affected with SCN2A-related conditions. This variant is not present in population databases (gnomAD no frequency). This sequence change replaces asparagine, which is neutral and polar, with serine, which is neutral and polar, at codon 53 of the SCN2A protein (p.Asn53Ser).

NM_001040142.2(SCN2A):c.158A>G (p.Asn53Ser)

Gene: SCN2A (sodium voltage-gated channel alpha subunit 2; plus strand). Cytogenetic location: 2q24.3.
Variant type: single nucleotide variant.
Coding change: c.158A>G on transcript NM_001040142.2 (MANE Select); coding-DNA position 158, A replaced by G.
Protein change: p.Asn53Ser; replaces asparagine 53 with serine.
Molecular consequence: missense variant.
Genome position (GRCh38, 1-based): chr2:165,295,981, A>G. VCF-style: chr2-165295981-A-G. GRCh37 (hg19) VCF-style: chr2-166152491-A-G.
Other names: c.158A>G, p.Asn53Ser (NM_001040143.2, NM_001371246.1, NM_001371247.1 and 1 more transcripts); short protein forms N53S.
Identifiers: ClinVar variation 2141712 (VCV002141712.4), dbSNP rs2467838632, ClinGen allele CA349010236.